The following is an entry in ClinVar:

ClinVar aggregate classification (germline): Uncertain significance (1 of 4 stars; one submission).

Conditions:
Primary dilated cardiomyopathy (DCM). Also called: Dilated Cardiomyopathy. Identifiers: Orphanet 217604, MedGen C0007193, MeSH D002311, MONDO:0005021, HP:0001644. Inheritance: Various modes of inheritance.

Submission:

Labcorp Genetics (formerly Invitae), Labcorp
Classification: Uncertain significance for Primary dilated cardiomyopathy. Last evaluated: 2025-07-20. Review status: criteria provided, single submitter. Criteria: Invitae Variant Classification Sherloc (09022015). Collection method: clinical testing. Allele origin: germline.
Comment: This sequence change replaces proline, which is neutral and non-polar, with serine, which is neutral and polar, at codon 214 of the NEBL protein (p.Pro214Ser). This variant is not present in population databases (gnomAD no frequency). This variant has not been reported in the literature in individuals affected with NEBL-related conditions. An algorithm developed to predict the effect of missense changes on protein structure and function (PolyPhen-2) suggests that this variant is likely to be disruptive. In summary, the available evidence is currently insufficient to determine the role of this variant in disease. Therefore, it has been classified as a Variant of Uncertain Significance.

NM_006393.3(NEBL):c.640C>T (p.Pro214Ser)

Gene: NEBL (nebulette; minus strand). Cytogenetic location: 10p12.31.
Variant type: single nucleotide variant.
Coding change: c.640C>T on transcript NM_006393.3 (MANE Select); coding-DNA position 640, C replaced by T.
Protein change: p.Pro214Ser; replaces proline 214 with serine.
Molecular consequence: missense variant. On other transcripts: intron variant (9).
Genome position (GRCh38, 1-based): chr10:20,868,708, G>A on the plus strand (C>T on the coding strand, the complement: NEBL is on the minus strand). VCF-style: chr10-20868708-G-A. GRCh37 (hg19) VCF-style: chr10-21157637-G-A.
Other names: c.250-55768C>T (NM_001377326.1, NM_001377327.1, NM_001377328.1); c.358-55768C>T (NM_213569.2, NM_001173484.2, NM_001377322.1); c.301-55768C>T (NM_001377324.1); c.292-55768C>T (NM_001377325.1); c.310-55768C>T (NM_001377323.1); short protein forms P214S.
Identifiers: ClinVar variation 4690713 (VCV004690713.1).
Genomic context (GRCh38, chr10:20,868,708, plus strand): 5'-ATCACTAAAGCCTTACTTGACTAGAAAGTTTAGAAGCTTCCACGGCATGTTCAAAATCTG[G>A]TCTTCCAATTACAGCGGGCTCTTTATTCATTATTCCTTGTCCTTTCTTGTATTCTGCCTA-3'
Protein context (NP_006384.1, residues 204-224): MNKEPAVIGR[Pro214Ser]DFEHAVEASK